The following is an entry in ClinVar:

NM_133459.4(CCBE1):c.976A>G (p.Arg326Gly)

Gene: CCBE1 (collagen and calcium binding EGF domains 1; minus strand). Cytogenetic location: 18q21.32.
Variant type: single nucleotide variant.
Coding change: c.976A>G on transcript NM_133459.4 (MANE Select); coding-DNA position 976, A replaced by G.
Protein change: p.Arg326Gly; replaces arginine 326 with glycine.
Molecular consequence: missense variant.
Genome position (GRCh38, 1-based): chr18:59,438,122, T>C on the plus strand (A>G on the coding strand, the complement: CCBE1 is on the minus strand). VCF-style: chr18-59438122-T-C. GRCh37 (hg19) VCF-style: chr18-57105354-T-C.
Other names: short protein forms R326G.
Identifiers: ClinVar variation 1025906 (VCV001025906.6), dbSNP rs1910243716, ClinGen allele CA402594707.

ClinVar aggregate classification (germline): Uncertain significance (1 of 4 stars; one submission).

Allele frequency attached by ClinVar (database versions not stated): gnomAD exomes below 0.00001.
gnomAD v4.1: 1 of 1,614,094 alleles (0.000062%); highest among the groups gnomAD compares: Non-Finnish European, 0.000085%; no homozygotes.

Submission:

Labcorp Genetics (formerly Invitae), Labcorp
Classification: Uncertain significance. Last evaluated: 2020-10-16. Review status: criteria provided, single submitter. Criteria: Invitae Variant Classification Sherloc (09022015). Collection method: clinical testing. Allele origin: germline.
Comment: Algorithms developed to predict the effect of missense changes on protein structure and function are either unavailable or do not agree on the potential impact of this missense change (SIFT: "Deleterious"; PolyPhen-2: "Benign"; Align-GVGD: "Class C0"). In summary, the available evidence is currently insufficient to determine the role of this variant in disease. Therefore, it has been classified as a Variant of Uncertain Significance. This variant has not been reported in the literature in individuals with CCBE1-related conditions. This variant is not present in population databases (ExAC no frequency). This sequence change replaces arginine with glycine at codon 326 of the CCBE1 protein (p.Arg326Gly). The arginine residue is moderately conserved and there is a moderate physicochemical difference between arginine and glycine.